The following is an entry in ClinVar:

NM_013444.4(UBQLN2):c.977C>T (p.Thr326Ile)

Gene: UBQLN2 (ubiquilin 2; plus strand). Cytogenetic location: Xp11.21.
Variant type: single nucleotide variant.
Coding change: c.977C>T on transcript NM_013444.4 (MANE Select); coding-DNA position 977, C replaced by T.
Protein change: p.Thr326Ile; replaces threonine 326 with isoleucine.
Molecular consequence: missense variant.
Genome position (GRCh38, 1-based): chrX:56,564,850, C>T. VCF-style: chrX-56564850-C-T. GRCh37 (hg19) VCF-style: chrX-56591283-C-T.
Other names: short protein forms T326I.
Identifiers: ClinVar variation 2747675 (VCV002747675.3), dbSNP rs2519962571, ClinGen allele CA413379565.

ClinVar aggregate classification (germline): Uncertain significance (1 of 4 stars; one submission).

Conditions:
Amyotrophic lateral sclerosis type 15. Also called: AMYOTROPHIC LATERAL SCLEROSIS 15 WITH FRONTOTEMPORAL DEMENTIA. Identifiers: Orphanet 803, MedGen C3275459, MONDO:0010459, OMIM 300857.

Submission:

Labcorp Genetics (formerly Invitae), Labcorp
Classification: Uncertain significance for Amyotrophic lateral sclerosis type 15. Last evaluated: 2023-07-31. Review status: criteria provided, single submitter. Criteria: Invitae Variant Classification Sherloc (09022015). Collection method: clinical testing. Allele origin: germline.
Comment: This sequence change replaces threonine, which is neutral and polar, with isoleucine, which is neutral and non-polar, at codon 326 of the UBQLN2 protein (p.Thr326Ile). This variant is not present in population databases (gnomAD no frequency). This variant has not been reported in the literature in individuals affected with UBQLN2-related conditions. Advanced modeling of protein sequence and biophysical properties (such as structural, functional, and spatial information, amino acid conservation, physicochemical variation, residue mobility, and thermodynamic stability) performed at Invitae indicates that this missense variant is not expected to disrupt UBQLN2 protein function. In summary, the available evidence is currently insufficient to determine the role of this variant in disease. Therefore, it has been classified as a Variant of Uncertain Significance.